The following is an entry in ClinVar:

ClinVar aggregate classification (germline): Uncertain significance (1 of 4 stars; one submission).

Submission:

Laboratory for Molecular Medicine, Mass General Brigham Personalized Medicine
Classification: Uncertain significance. Last evaluated: 2011-12-13. Review status: criteria provided, single submitter. Criteria: LMM Criteria. Collection method: clinical testing. Allele origin: germline. Observed: 1 variant allele.
Comment: Proline (Pro) at 13675 is conserved in mammals; however no conservation data exists for distant species and it rema ins unclear whether a change would be expected to affect the protein. Computatio nal analyses (SIFT and AlignGVGD) predict that the variant may impact the protei n; however, their accuracy is unknown. In summary, additional data is needed to determine the clinical significance of this variant.

NM_001267550.2(TTN):c.60746A>C (p.Glu20249Ala)

Genes: TTN-AS1 (TTN antisense RNA 1; plus strand), TTN (titin; minus strand). Cytogenetic location: 2q31.2.
Variant type: single nucleotide variant.
Coding change: c.60746A>C on transcript NM_001267550.2 (MANE Select); coding-DNA position 60746, A replaced by C.
Protein change: p.Glu20249Ala; replaces glutamic acid 20249 with alanine.
Molecular consequence: missense variant.
Genome position (GRCh38, 1-based): chr2:178,590,979, T>G on the plus strand (A>C on the coding strand, the complement: TTN is on the minus strand). VCF-style: chr2-178590979-T-G. GRCh37 (hg19) VCF-style: chr2-179455706-T-G.
Other names: c.53042A>C, p.Glu17681Ala (NM_133378.4); c.55823A>C, p.Glu18608Ala (NM_001256850.1); c.33551A>C, p.Glu11184Ala (NM_003319.4); c.33926A>C, p.Glu11309Ala (NM_133432.3); c.34127A>C, p.Glu11376Ala (NM_133437.4); short protein forms E20249A, E17681A, E11309A, E11376A, E18608A, E11184A.
Identifiers: ClinVar variation 47164 (VCV000047164.5), dbSNP rs397517646, ClinGen allele CA140184.